The following is an entry in ClinVar:

ClinVar aggregate classification (germline): Uncertain significance (1 of 4 stars; one submission).

gnomAD v4.1: 1 of 1,613,562 alleles (0.000062%); highest among the groups gnomAD compares: East Asian, 0.0022%; no homozygotes.

Submission:

Labcorp Genetics (formerly Invitae), Labcorp
Classification: Uncertain significance. Last evaluated: 2022-03-18. Review status: criteria provided, single submitter. Criteria: Invitae Variant Classification Sherloc (09022015). Collection method: clinical testing. Allele origin: germline.
Comment: This variant is not present in population databases (gnomAD no frequency). This sequence change replaces serine, which is neutral and polar, with arginine, which is basic and polar, at codon 763 of the MPDZ protein (p.Ser763Arg). This variant has not been reported in the literature in individuals affected with MPDZ-related conditions. Algorithms developed to predict the effect of missense changes on protein structure and function are either unavailable or do not agree on the potential impact of this missense change (SIFT: "Deleterious"; PolyPhen-2: "Possibly Damaging"; Align-GVGD: "Class C15"). In summary, the available evidence is currently insufficient to determine the role of this variant in disease. Therefore, it has been classified as a Variant of Uncertain Significance.

NM_001378778.1(MPDZ):c.2289T>G (p.Ser763Arg)

Gene: MPDZ (multiple PDZ domain crumbs cell polarity complex component; minus strand). Cytogenetic location: 9p23.
Variant type: single nucleotide variant.
Coding change: c.2289T>G on transcript NM_001378778.1 (MANE Select); coding-DNA position 2289, T replaced by G.
Protein change: p.Ser763Arg; replaces serine 763 with arginine.
Molecular consequence: missense variant.
Genome position (GRCh38, 1-based): chr9:13,188,859, A>C on the plus strand (T>G on the coding strand, the complement: MPDZ is on the minus strand). VCF-style: chr9-13188859-A-C. GRCh37 (hg19) VCF-style: chr9-13188858-A-C.
Other names: c.2289T>G, p.Ser763Arg (NM_001261406.2, NM_001261407.2, NM_001330637.2 and 14 more transcripts); short protein forms S763R.
Identifiers: ClinVar variation 1389972 (VCV001389972.6), dbSNP rs2134852227, ClinGen allele CA372937430.